The following is an entry in ClinVar:

ClinVar aggregate classification (germline): other (0 of 4 stars; one submission).

Conditions:
Familial colorectal cancer. Identifiers: MedGen CN280943, MONDO:0023113. Disease mechanism: loss of function.

Submission:

Systems Biology Platform Zhejiang California International NanoSystems Institute
Classification: other for Familial colorectal cancer. Review status: no assertion criteria provided. Collection method: not provided. Allele origin: unknown.
ClinVar note: Converted during submission from cancer to other.

NM_000038.6(APC):c.645+4367G>T

Gene: APC (APC regulator of WNT signaling pathway; plus strand). Cytogenetic location: 5q22.2.
Variant type: single nucleotide variant.
Coding change: c.645+4367G>T on transcript NM_000038.6 (MANE Select); 4367 bases into the intron after coding-DNA position 645, G replaced by T.
Molecular consequence: intron variant.
Genome position (GRCh38, 1-based): chr5:112,785,270, G>T. VCF-style: chr5-112785270-G-T. GRCh37 (hg19) VCF-style: chr5-112120967-G-T.
Other names: c.645+4367G>T (NM_001354895.2, NM_001127510.3, NM_001354896.2 and 2 more transcripts); c.675+4367G>T (NM_001354897.2, NM_001354902.2, NM_001127511.3); c.570+4367G>T (NM_001354898.2, NM_001354904.2); c.-391+4367G>T (NM_001354906.2); c.468+4367G>T (NM_001354900.2, NM_001354901.2, NM_001354905.2).
Identifiers: ClinVar variation 82961 (VCV000082961.2), dbSNP rs76903962, ClinGen allele CA011504.